The following is an entry in ClinVar:

ClinVar aggregate classification (germline): Likely pathogenic (1 of 4 stars; one submission).

Conditions:
CFTR-related disorder (CFTR-RD). Also called: CFTR-related disorders; CFTR-related condition. Identifiers: MedGen C5924204, MONDO:7770004.

Submission:

Natera, Inc.
Classification: Likely pathogenic for CFTR-related disorders. Last evaluated: 2025-09-23. Review status: criteria provided, single submitter. Criteria: Natera Variant Classification Schema (03/2026). Collection method: clinical testing. Allele origin: germline.
Comment: The c.350_351delinsTT variant in CFTR is a deletion-insertion (delins) variant predicted to replace one or more nucleotides with a different sequence. This variant is rare in the general population with a frequency below the threshold expected for the associated phenotype(s). Another variant at this same site results in an alteration predicted to cause a similar molecular effect has been observed in individual(s) with the associated phenotype. A different variant at the same position has been determined to be Pathogenic or Likely Pathogenic. Given the available evidence, this variant is classified as Likely Pathogenic.

NM_000492.4(CFTR):c.350_351delinsTT (p.Arg117Leu)

Gene: CFTR (CF transmembrane conductance regulator; plus strand). Cytogenetic location: 7q31.2.
Variant type: Indel.
Coding change: c.350_351delinsTT on transcript NM_000492.4 (MANE Select); coding-DNA positions 350 to 351, GC replaced by TT.
Protein change: p.Arg117Leu; replaces arginine 117 with leucine.
Molecular consequence: missense variant.
Genome position (GRCh38, 1-based): chr7:117,530,975-117,530,976, GC replaced by TT. VCF-style: chr7-117530975-GC-TT. GRCh37 (hg19) VCF-style: chr7-117171029-GC-TT.
Other names: c.350_351delGCinsTT, p.Arg117Leu (NM_000492.3); short protein forms R117L.
Identifiers: ClinVar variation 4818539 (VCV004818539.1).